The following is an entry in ClinVar:

NM_001014.5(RPS10):c.371G>A (p.Arg124Lys)

Genes: RPS10 (ribosomal protein S10; minus strand), RPS10-NUDT3 (RPS10-NUDT3 readthrough; minus strand). Cytogenetic location: 6p21.31.
Variant type: single nucleotide variant.
Coding change: c.371G>A on transcript NM_001014.5 (MANE Select); coding-DNA position 371, G replaced by A.
Protein change: p.Arg124Lys; replaces arginine 124 with lysine.
Molecular consequence: missense variant.
Genome position (GRCh38, 1-based): chr6:34,421,759, C>T on the plus strand (G>A on the coding strand, the complement: RPS10 is on the minus strand). VCF-style: chr6-34421759-C-T. GRCh37 (hg19) VCF-style: chr6-34389536-C-T.
Other names: c.371G>A, p.Arg124Lys (NM_001202470.3, NM_001203245.3, NM_001204091.2); short protein forms R124K.
Identifiers: ClinVar variation 1345671 (VCV001345671.8), dbSNP rs757956413, ClinGen allele CA3765045.
Genomic context (GRCh38, chr6:34,421,759, plus strand): 5'-CACCCCTAATATAGGTGATGCATTTACTCACGTGGCACAGCACTCCGTCTGTAGGTATCT[C>T]TGTCAGCTTCCCCTCTTGTGAGTCTCGCAGGTCGCTCACCCTCCAGACCTATGTAAATCA-3'
Protein context (NP_001005.1, residues 114-134): PARLTRGEAD[Arg124Lys]DTYRRSAVPP

ClinVar aggregate classification (germline): Uncertain significance (1 of 4 stars; one submission).

Conditions:
Diamond-Blackfan anemia. Also called: Blackfan Diamond syndrome; Aregenerative anemia chronic congenital; Red cell aplasia, pure hereditary; Congenital hypoplastic anemia; Aase syndrome. Identifiers: Orphanet 124, MedGen C1260899, MeSH D029503, MONDO:0015253, HP:0004810.

Allele frequency attached by ClinVar (database versions not stated): gnomAD exomes below 0.00001; ExAC 0.00001.

Submission:

Labcorp Genetics (formerly Invitae), Labcorp
Classification: Uncertain significance for Diamond-Blackfan anemia. Last evaluated: 2021-07-04. Review status: criteria provided, single submitter. Criteria: Invitae Variant Classification Sherloc (09022015). Collection method: clinical testing. Allele origin: germline.
Comment: This sequence change replaces arginine with lysine at codon 124 of the RPS10 protein (p.Arg124Lys). The arginine residue is highly conserved and there is a small physicochemical difference between arginine and lysine. This variant is present in population databases (rs757956413, ExAC 0.009%). This variant has not been reported in the literature in individuals affected with RPS10-related conditions. Algorithms developed to predict the effect of missense changes on protein structure and function are either unavailable or do not agree on the potential impact of this missense change (SIFT: "Deleterious"; PolyPhen-2: "Benign"; Align-GVGD: "Class C0"). In summary, the available evidence is currently insufficient to determine the role of this variant in disease. Therefore, it has been classified as a Variant of Uncertain Significance.